The following is an entry in ClinVar:

NM_001267550.2(TTN):c.88135G>A (p.Asp29379Asn)

Genes: TTN (titin; minus strand), TTN-AS1 (TTN antisense RNA 1; plus strand). Cytogenetic location: 2q31.2.
Variant type: single nucleotide variant.
Coding change: c.88135G>A on transcript NM_001267550.2 (MANE Select); coding-DNA position 88135, G replaced by A.
Protein change: p.Asp29379Asn; replaces aspartic acid 29379 with asparagine.
Molecular consequence: missense variant.
Genome position (GRCh38, 1-based): chr2:178,557,019, C>T on the plus strand (G>A on the coding strand, the complement: TTN is on the minus strand). VCF-style: chr2-178557019-C-T. GRCh37 (hg19) VCF-style: chr2-179421746-C-T.
Other names: c.83212G>A, p.Asp27738Asn (NM_001256850.1); c.60940G>A, p.Asp20314Asn (NM_003319.4); c.80431G>A, p.Asp26811Asn (NM_133378.4); c.61315G>A, p.Asp20439Asn (NM_133432.3); c.61516G>A, p.Asp20506Asn (NM_133437.4); short protein forms D20314N, D20439N, D20506N, D26811N, D27738N, D29379N.
Identifiers: ClinVar variation 2437495 (VCV002437495.4), dbSNP rs1285049057, ClinGen allele CA349531396.

ClinVar aggregate classification (germline): Uncertain significance. Review status: criteria provided, single submitter (1 of 4 stars). 2 submissions from 2 submitters: Uncertain significance (1). 1 of the submissions does not count toward it. Last evaluated 2020-11-02.

Conditions:
TTN-related disorder. Also called: TTN-related condition; TTN-related disease; TTN-related disorders.

Allele frequency attached by ClinVar (database versions not stated): gnomAD exomes 0.00001; gnomAD 0.00002; TOPMed 0.00002.
gnomAD v4.1: 6 of 1,613,672 alleles (0.00037%); highest among the groups gnomAD compares: African/African-American, 0.008%; no homozygotes.

Submissions (2):

Revvity Omics, Revvity
Classification: Uncertain significance. Last evaluated: 2020-11-02. Review status: criteria provided, single submitter. Criteria: ACMG Guidelines, 2015. Collection method: clinical testing. Allele origin: germline.

PreventionGenetics, part of Exact Sciences
Classification: Uncertain significance for TTN-related condition. Last evaluated: 2024-04-23. Review status: no assertion criteria provided. Collection method: clinical testing. Allele origin: germline. Not counted in ClinVar's aggregate classification.
Comment: The TTN c.88135G>A variant is predicted to result in the amino acid substitution p.Asp29379Asn. To our knowledge, this variant has not been reported in the literature. This variant is reported in 0.023% of alleles in individuals of African descent in gnomAD. At this time, the clinical significance of this variant is uncertain due to the absence of conclusive functional and genetic evidence.